The following is an entry in ClinVar:

ClinVar aggregate classification (germline): Uncertain significance. Review status: criteria provided, multiple submitters, no conflicts (2 of 4 stars). 3 submissions from 3 submitters: Uncertain significance (3). Last evaluated 2025-05-27.

Conditions:
Familial sleep-related hypermotor epilepsy. Also called: Autosomal Dominant Sleep-Related Hypermotor (Hyperkinetic) Epilepsy. Identifiers: Orphanet 98784, MedGen C3696898, MONDO:0000030.
Inborn genetic diseases. Identifiers: MedGen C0950123, MeSH D030342.
Autosomal dominant nocturnal frontal lobe epilepsy 1. Also called: EPILEPSY, NOCTURNAL FRONTAL LOBE, TYPE 1; CHRNA4-Related Nocturnal Frontal Lobe Epilepsy, Autosomal Dominant. Identifiers: Orphanet 98784, MedGen C1838049, MONDO:0010899, OMIM 600513.
Tobacco addiction, susceptibility to. Also called: CIGARETTE HABITUATION, SUSCEPTIBILITY TO. Identifiers: MedGen C1861063, MONDO:0100460, OMIM 188890.

Allele frequency attached by ClinVar (database versions not stated): gnomAD exomes below 0.00001; TOPMed below 0.00001; gnomAD 0.00001.
gnomAD v4.1: 6 of 1,613,720 alleles (0.00037%); highest among the groups gnomAD compares: Admixed American, 0.0017%; no homozygotes.

Submissions (3):

Labcorp Genetics (formerly Invitae), Labcorp
Classification: Uncertain significance. Last evaluated: 2025-05-27. Review status: criteria provided, single submitter. Criteria: Invitae Variant Classification Sherloc (09022015). Collection method: clinical testing. Allele origin: germline.
Comment: This sequence change replaces isoleucine, which is neutral and non-polar, with methionine, which is neutral and non-polar, at codon 229 of the CHRNA4 protein (p.Ile229Met). This variant is present in population databases (rs200063611, gnomAD no frequency). This variant has not been reported in the literature in individuals affected with CHRNA4-related conditions. ClinVar contains an entry for this variant (Variation ID: 1487245). Invitae Evidence Modeling of protein sequence and biophysical properties (such as structural, functional, and spatial information, amino acid conservation, physicochemical variation, residue mobility, and thermodynamic stability) indicates that this missense variant is not expected to disrupt CHRNA4 protein function with a negative predictive value of 80%. In summary, the available evidence is currently insufficient to determine the role of this variant in disease. Therefore, it has been classified as a Variant of Uncertain Significance.

Ambry Genetics
Classification: Uncertain significance for Inborn genetic diseases. Last evaluated: 2024-05-30. Review status: criteria provided, single submitter. Criteria: Ambry Variant Classification Scheme 2023. Collection method: clinical testing. Allele origin: germline.

Fulgent Genetics
Classification: Uncertain significance for Tobacco addiction, susceptibility to; Autosomal dominant nocturnal frontal lobe epilepsy 1. Last evaluated: 2021-10-09. Review status: criteria provided, single submitter. Criteria: ACMG Guidelines, 2015. Collection method: clinical testing. Allele origin: unknown.

NM_000744.7(CHRNA4):c.687C>G (p.Ile229Met)

Gene: CHRNA4 (cholinergic receptor nicotinic alpha 4 subunit; minus strand). Cytogenetic location: 20q13.33.
Variant type: single nucleotide variant.
Coding change: c.687C>G on transcript NM_000744.7 (MANE Select); coding-DNA position 687, C replaced by G.
Protein change: p.Ile229Met; replaces isoleucine 229 with methionine.
Molecular consequence: missense variant. On other transcripts: non-coding transcript variant (1).
Genome position (GRCh38, 1-based): chr20:63,350,724, G>C on the plus strand (C>G on the coding strand, the complement: CHRNA4 is on the minus strand). VCF-style: chr20-63350724-G-C. GRCh37 (hg19) VCF-style: chr20-61982076-G-C.
Other names: c.687C>G (NM_000744.5); c.159C>G, p.Ile53Met (NM_001256573.2); short protein forms I229M, I53M.
Identifiers: ClinVar variation 1487245 (VCV001487245.10), dbSNP rs200063611, ClinGen allele CA317436048.